The following is an entry in ClinVar:

NM_172107.4(KCNQ2):c.296+5G>A

Gene: KCNQ2 (potassium voltage-gated channel subfamily Q member 2; minus strand). Cytogenetic location: 20q13.33.
Variant type: single nucleotide variant.
Coding change: c.296+5G>A on transcript NM_172107.4 (MANE Select); 5 bases into the intron after coding-DNA position 296, G replaced by A.
Molecular consequence: intron variant.
Genome position (GRCh38, 1-based): chr20:63,472,163, C>T on the plus strand (G>A on the coding strand, the complement: KCNQ2 is on the minus strand). VCF-style: chr20-63472163-C-T. GRCh37 (hg19) VCF-style: chr20-62103516-C-T.
Other names: c.296+5G>A (NM_004518.6, NM_172108.5, NM_172106.3 and 2 more transcripts).
Identifiers: ClinVar variation 1358985 (VCV001358985.7), dbSNP rs2145920846, ClinGen allele CA2573157294.

ClinVar aggregate classification (germline): Uncertain significance (1 of 4 stars; one submission).

Conditions:
Early-infantile DEE. Also called: Early infantile epileptic encephalopathy with suppression bursts; Ohtahara syndrome; Early infantile epileptic encephalopathy. Identifiers: Orphanet 1934, MedGen C0393706, MONDO:0800491.

Submission:

Labcorp Genetics (formerly Invitae), Labcorp
Classification: Uncertain significance for Early-infantile DEE. Last evaluated: 2022-07-26. Review status: criteria provided, single submitter. Criteria: Invitae Variant Classification Sherloc (09022015). Collection method: clinical testing. Allele origin: germline.
Comment: This sequence change falls in intron 1 of the KCNQ2 gene. It does not directly change the encoded amino acid sequence of the KCNQ2 protein. It affects a nucleotide within the consensus splice site. This variant is not present in population databases (gnomAD no frequency). In summary, the available evidence is currently insufficient to determine the role of this variant in disease. Therefore, it has been classified as a Variant of Uncertain Significance. Variants that disrupt the consensus splice site are a relatively common cause of aberrant splicing (PMID: 17576681, 9536098). Algorithms developed to predict the effect of sequence changes on RNA splicing suggest that this variant may disrupt the consensus splice site. ClinVar contains an entry for this variant (Variation ID: 1358985). This variant has been observed in individual(s) with clinical features of KCNQ2-related conditions (Invitae).

Literature cited by the submitters: PubMed 17576681; PubMed 9536098.